The following is an entry in ClinVar:

ClinVar aggregate classification (germline): Pathogenic. Review status: criteria provided, multiple submitters, no conflicts (2 of 4 stars). 3 submissions from 3 submitters: Pathogenic (2). 1 of the submissions does not count toward it. Last evaluated 2024-08-12.

Conditions:
Congenital myopathy. Identifiers: Orphanet 97245, MedGen C0270960, MONDO:0019952.
Actin accumulation myopathy (CMYO2A). Also called: Myopathy, actin, congenital, with cores; Nemaline myopathy 3, with intranuclear rods; Nemaline myopathy type 3; Myopathy, actin, congenital, with excess of thin myofilaments; CONGENITAL MYOPATHY 2A, TYPICAL, AUTOSOMAL DOMINANT. Identifiers: Orphanet 98904, MedGen C3711389, MONDO:0008070, OMIM 161800.
Congenital myopathy with fiber type disproportion. Also called: Congenital fiber-type disproportion myopathy; Congenital fiber-type disproportion. Identifiers: Orphanet 2020, MedGen C0546264, MONDO:0009711. Inheritance: all.

Submissions (3):

Clinical Genetics Laboratory, Skane University Hospital Lund
Classification: Pathogenic for Congenital myopathy. Last evaluated: 2024-08-12. Review status: criteria provided, single submitter. Criteria: ACMG Guidelines, 2015. Collection method: clinical testing. Allele origin: de novo. Inheritance: Autosomal dominant inheritance. Affected: yes.
Comment: PS2, PS4, PM2, PP3

Labcorp Genetics (formerly Invitae), Labcorp
Classification: Pathogenic for Actin accumulation myopathy. Last evaluated: 2022-07-18. Review status: criteria provided, single submitter. Criteria: Invitae Variant Classification Sherloc (09022015). Collection method: clinical testing. Allele origin: germline.
Comment: This sequence change replaces glycine, which is neutral and non-polar, with aspartic acid, which is acidic and polar, at codon 48 of the ACTA1 protein (p.Gly48Asp). This variant is not present in population databases (gnomAD no frequency). This missense change has been observed in individual(s) with congenital myopathy and/or autosomal dominant congenital fiber type disproportion (PMID: 19562689, 21520333, 27447704). In at least one individual the variant was observed to be de novo. ClinVar contains an entry for this variant (Variation ID: 42106). Advanced modeling of protein sequence and biophysical properties (such as structural, functional, and spatial information, amino acid conservation, physicochemical variation, residue mobility, and thermodynamic stability) performed at Invitae indicates that this missense variant is expected to disrupt ACTA1 protein function. This variant disrupts the p.Gly48 amino acid residue in ACTA1. Other variant(s) that disrupt this residue have been determined to be pathogenic (PMID: 19562689, 24642510, 26172852). This suggests that this residue is clinically significant, and that variants that disrupt this residue are likely to be disease-causing. For these reasons, this variant has been classified as Pathogenic.

GeneReviews
No classification provided. Condition: Congenital myopathy with fiber type disproportion. Review status: no classification provided. Collection method: literature only. Allele origin: unknown. Not counted in ClinVar's aggregate classification.

Literature cited by the submitters: PubMed 19562689 (cited by Labcorp Genetics (formerly Invitae), Labcorp); PubMed 21520333 (cited by Labcorp Genetics (formerly Invitae), Labcorp); PubMed 27447704 (cited by Labcorp Genetics (formerly Invitae), Labcorp); PubMed 24642510 (cited by Labcorp Genetics (formerly Invitae), Labcorp); PubMed 26172852 (cited by Labcorp Genetics (formerly Invitae), Labcorp); PubMed 15468086 (cited by GeneReviews); PubMed 20301436 (cited by GeneReviews); NCBI Bookshelf NBK1259 (cited by GeneReviews).

NM_001100.4(ACTA1):c.143G>A (p.Gly48Asp)

Gene: ACTA1 (actin alpha 1, skeletal muscle; minus strand). Cytogenetic location: 1q42.13.
Variant type: single nucleotide variant.
Coding change: c.143G>A on transcript NM_001100.4 (MANE Select); coding-DNA position 143, G replaced by A.
Protein change: p.Gly48Asp; replaces glycine 48 with aspartic acid.
Molecular consequence: missense variant.
Genome position (GRCh38, 1-based): chr1:229,432,867, C>T on the plus strand (G>A on the coding strand, the complement: ACTA1 is on the minus strand). VCF-style: chr1-229432867-C-T. GRCh37 (hg19) VCF-style: chr1-229568614-C-T.
Other names: short protein forms G48D.
Identifiers: ClinVar variation 42106 (VCV000042106.15), dbSNP rs367543049, ClinGen allele CA344554.